The following is an entry in ClinVar:

NM_003742.4(ABCB11):c.3412-1G>A

Gene: ABCB11 (ATP binding cassette subfamily B member 11; minus strand). Cytogenetic location: 2q31.1.
Variant type: single nucleotide variant.
Coding change: c.3412-1G>A on transcript NM_003742.4 (MANE Select); the canonical splice acceptor site of the intron before coding-DNA position 3412, G replaced by A.
Molecular consequence: splice acceptor variant.
Genome position (GRCh38, 1-based): chr2:168,927,363, C>T on the plus strand (G>A on the coding strand, the complement: ABCB11 is on the minus strand). VCF-style: chr2-168927363-C-T. GRCh37 (hg19) VCF-style: chr2-169783873-C-T.
Identifiers: ClinVar variation 953204 (VCV000953204.9), dbSNP rs1691365745, ClinGen allele CA349120050.
Genomic context (GRCh38, chr2:168,927,363, plus strand): 5'-TCCAATGTTTGAGCGGAGGAACTGGACATTTACTTTTTTGCTGTCATGACCATCTATCAT[C>T]TGCCAATAGAGGAGATGACAGGTCATTAGGTTTTTAGAATTCCAGCAGTGAGGAAAGTTC-3'

ClinVar aggregate classification (germline): Likely pathogenic. Review status: criteria provided, multiple submitters, no conflicts (2 of 4 stars). 2 submissions from 2 submitters: Likely pathogenic (2). Last evaluated 2024-02-28.

Conditions:
Benign recurrent intrahepatic cholestasis type 2 (BRIC2). Also called: Recurrent familial intrahepatic cholestasis 2. Identifiers: Orphanet 65682, Orphanet 99961, MedGen C2608083, MONDO:0011559, OMIM 605479.
Progressive familial intrahepatic cholestasis type 2. Identifiers: Orphanet 79304, MedGen C3489789, MONDO:0011156, OMIM 601847.

Submissions (2):

Fulgent Genetics
Classification: Likely pathogenic for Progressive familial intrahepatic cholestasis type 2; Benign recurrent intrahepatic cholestasis type 2. Last evaluated: 2024-02-28. Review status: criteria provided, single submitter. Criteria: ACMG Guidelines, 2015. Collection method: clinical testing. Allele origin: germline.

Labcorp Genetics (formerly Invitae), Labcorp
Classification: Likely pathogenic. Last evaluated: 2019-08-07. Review status: criteria provided, single submitter. Criteria: Invitae Variant Classification Sherloc (09022015). Collection method: clinical testing. Allele origin: germline.
Comment: In summary, the currently available evidence indicates that the variant is pathogenic, but additional data are needed to prove that conclusively. Therefore, this variant has been classified as Likely Pathogenic. Donor and acceptor splice site variants typically lead to a loss of protein function (PMID: 16199547), and loss-of-function variants in ABCB11 are known to be pathogenic (PMID: 18395098, 20232290). Algorithms developed to predict the effect of sequence changes on RNA splicing suggest that this variant may disrupt the consensus splice site, but this prediction has not been confirmed by published transcriptional studies. This variant has not been reported in the literature in individuals with ABCB11-related conditions. This variant is not present in population databases (ExAC no frequency). This sequence change affects an acceptor splice site in intron 25 of the ABCB11 gene. It is expected to disrupt RNA splicing and likely results in an absent or disrupted protein product.

Literature cited by the submitters: PubMed 16199547 (cited by Labcorp Genetics (formerly Invitae), Labcorp); PubMed 18395098 (cited by Labcorp Genetics (formerly Invitae), Labcorp); PubMed 20232290 (cited by Labcorp Genetics (formerly Invitae), Labcorp).